The following is an entry in ClinVar:

NM_006531.5(IFT88):c.1683-3A>G

Gene: IFT88 (intraflagellar transport 88; plus strand). Cytogenetic location: 13q12.11.
Variant type: single nucleotide variant.
Coding change: c.1683-3A>G on transcript NM_006531.5 (MANE Select); 3 bases into the intron before coding-DNA position 1683, A replaced by G.
Molecular consequence: intron variant.
Genome position (GRCh38, 1-based): chr13:20,643,452, A>G. VCF-style: chr13-20643452-A-G. GRCh37 (hg19) VCF-style: chr13-21217591-A-G.
Other names: c.1710-3A>G (NM_001318493.2, NM_175605.5, NM_001353566.2 and 2 more transcripts); c.1683-3A>G (NM_001353568.2, NM_001353572.2); c.1608-3A>G (NM_001353570.2, NM_001353576.2, NM_001353577.2 and 1 more transcripts); c.1581-3A>G (NM_001353571.2, NM_001353578.2); c.1050-3A>G (NM_001353579.2); c.1626-3A>G (NM_001353575.2, NM_001318491.2); c.1539-3A>G (NM_001353573.2); c.1524-3A>G (NM_001353574.2).
Identifiers: ClinVar variation 3699382 (VCV003699382.2).

ClinVar aggregate classification (germline): Uncertain significance (1 of 4 stars; one submission).

Submission:

Labcorp Genetics (formerly Invitae), Labcorp
Classification: Uncertain significance. Last evaluated: 2024-09-18. Review status: criteria provided, single submitter. Criteria: Invitae Variant Classification Sherloc (09022015). Collection method: clinical testing. Allele origin: germline.
Comment: This sequence change falls in intron 20 of the IFT88 gene. It does not directly change the encoded amino acid sequence of the IFT88 protein. It affects a nucleotide within the consensus splice site. This variant is not present in population databases (gnomAD no frequency). This variant has not been reported in the literature in individuals affected with IFT88-related conditions. Variants that disrupt the consensus splice site are a relatively common cause of aberrant splicing (PMID: 17576681, 9536098). Algorithms developed to predict the effect of sequence changes on RNA splicing suggest that this variant may disrupt the consensus splice site. In summary, the available evidence is currently insufficient to determine the role of this variant in disease. Therefore, it has been classified as a Variant of Uncertain Significance.

Literature cited by the submitters: PubMed 17576681; PubMed 9536098.